The following is an entry in ClinVar:

NM_000057.4(BLM):c.4098G>C (p.Lys1366Asn)

Gene: BLM (BLM RecQ like helicase; plus strand). Cytogenetic location: 15q26.1.
Variant type: single nucleotide variant.
Coding change: c.4098G>C on transcript NM_000057.4 (MANE Select); coding-DNA position 4098, G replaced by C.
Protein change: p.Lys1366Asn; replaces lysine 1366 with asparagine.
Molecular consequence: missense variant.
Genome position (GRCh38, 1-based): chr15:90,815,123, G>C. VCF-style: chr15-90815123-G-C. GRCh37 (hg19) VCF-style: chr15-91358353-G-C.
Other names: c.4098G>C, p.Lys1366Asn (NM_001287246.2); c.3705G>C, p.Lys1235Asn (NM_001287247.2); c.2973G>C, p.Lys991Asn (NM_001287248.2); short protein forms K991N, K1235N, K1366N.
Identifiers: ClinVar variation 1737787 (VCV001737787.5), dbSNP rs752989757, ClinGen allele CA393852106.

ClinVar aggregate classification (germline): Uncertain significance. Review status: criteria provided, multiple submitters, no conflicts (2 of 4 stars). 2 submissions from 2 submitters: Uncertain significance (2). Last evaluated 2024-07-19.

Conditions:
Hereditary cancer-predisposing syndrome. Also called: Neoplastic Syndromes, Hereditary; Tumor predisposition; Hereditary Cancer Syndrome; Hereditary neoplastic syndrome. Identifiers: Orphanet 140162, MedGen C0027672, MeSH D009386, MONDO:0015356.
Bloom syndrome (BLM). Also called: Bloom-Torre-Machacek syndrome. Identifiers: Orphanet 125, MedGen C0005859, MONDO:0008876, OMIM 210900.

Allele frequency attached by ClinVar (database versions not stated): TOPMed below 0.00001; gnomAD 0.00001.
gnomAD v4.1: 1 of 1,613,942 alleles (0.000062%); highest among the groups gnomAD compares: Non-Finnish European, 0.000085%; no homozygotes.

Submissions (2):

Labcorp Genetics (formerly Invitae), Labcorp
Classification: Uncertain significance for Bloom syndrome. Last evaluated: 2024-07-19. Review status: criteria provided, single submitter. Criteria: Invitae Variant Classification Sherloc (09022015). Collection method: clinical testing. Allele origin: germline.
Comment: This sequence change replaces lysine, which is basic and polar, with asparagine, which is neutral and polar, at codon 1366 of the BLM protein (p.Lys1366Asn). This variant is not present in population databases (gnomAD no frequency). This variant has not been reported in the literature in individuals affected with BLM-related conditions. ClinVar contains an entry for this variant (Variation ID: 1737787). Advanced modeling of protein sequence and biophysical properties (such as structural, functional, and spatial information, amino acid conservation, physicochemical variation, residue mobility, and thermodynamic stability) performed at Invitae indicates that this missense variant is not expected to disrupt BLM protein function with a negative predictive value of 80%. In summary, the available evidence is currently insufficient to determine the role of this variant in disease. Therefore, it has been classified as a Variant of Uncertain Significance.

Ambry Genetics
Classification: Uncertain significance for Hereditary cancer-predisposing syndrome. Last evaluated: 2023-03-27. Review status: criteria provided, single submitter. Criteria: Ambry Variant Classification Scheme 2023. Collection method: clinical testing. Allele origin: germline.
Comment: The p.K1366N variant (also known as c.4098G>C), located in coding exon 21 of the BLM gene, results from a G to C substitution at nucleotide position 4098. The lysine at codon 1366 is replaced by asparagine, an amino acid with similar properties. This amino acid position is well conserved in available vertebrate species. In addition, this alteration is predicted to be tolerated by in silico analysis. Since supporting evidence is limited at this time, the clinical significance of this alteration remains unclear.